The following is an entry in ClinVar:

NM_001348716.2(KDM6B):c.2041C>T (p.Gln681Ter)

Gene: KDM6B (lysine demethylase 6B; plus strand). Cytogenetic location: 17p13.1.
Variant type: single nucleotide variant.
Coding change: c.2041C>T on transcript NM_001348716.2 (MANE Select); coding-DNA position 2041, C replaced by T.
Protein change: p.Gln681Ter; replaces glutamine 681 with a stop codon.
Molecular consequence: nonsense.
Genome position (GRCh38, 1-based): chr17:7,848,329, C>T. VCF-style: chr17-7848329-C-T. GRCh37 (hg19) VCF-style: chr17-7751647-C-T.
Other names: c.2041C>T, p.Gln681Ter (NM_001080424.2); short protein forms Q681*.
Identifiers: ClinVar variation 3378404 (VCV003378404.2).

ClinVar aggregate classification (germline): Pathogenic (1 of 4 stars; one submission).

Conditions:
Neurodevelopmental disorder with coarse facies and mild distal skeletal abnormalities. Also called: STOLERMAN NEURODEVELOPMENTAL SYNDROME. Identifiers: MedGen C5193134, MONDO:0032790, OMIM 618505.

Submission:

Molecular Genetics Laboratory, Motol Hospital
Classification: Pathogenic for Neurodevelopmental disorder with coarse facies and mild distal skeletal abnormalities. Last evaluated: 2024-11-20. Review status: criteria provided, single submitter. Criteria: ACMG Guidelines, 2015. Collection method: clinical testing. Allele origin: germline. Affected: yes. Observed: 2 variant alleles.
Comment: Rare loss-of-function truncating variants in the KDM6B are well documented as a molecular cause of Stolerman neurodevelopmental syndrome (OMIM:618505) (PMID:37196654;31124279). To conclude, the variant is classified as likely pathogenic (ACMG PVS1, PM2).

Literature cited by the submitters: PubMed 37196654; PubMed 31124279.